The following is an entry in ClinVar:

NM_015341.5(NCAPH):c.998A>G (p.Asn333Ser)

Gene: NCAPH (non-SMC condensin I complex subunit H; plus strand). Cytogenetic location: 2q11.2.
Variant type: single nucleotide variant.
Coding change: c.998A>G on transcript NM_015341.5 (MANE Select); coding-DNA position 998, A replaced by G.
Protein change: p.Asn333Ser; replaces asparagine 333 with serine.
Molecular consequence: missense variant.
Genome position (GRCh38, 1-based): chr2:96,353,393, A>G. VCF-style: chr2-96353393-A-G. GRCh37 (hg19) VCF-style: chr2-97019131-A-G.
Other names: NC_000002.11:g.97019131A>G; c.965A>G, p.Asn322Ser (NM_001281710.2); c.926A>G, p.Asn309Ser (NM_001281711.2); c.590A>G, p.Asn197Ser (NM_001281712.2); short protein forms N197S, N309S, N322S, N333S.
Identifiers: ClinVar variation 3053920 (VCV003053920.3), dbSNP rs183869493, ClinGen allele CA1779981.
Genomic context (GRCh38, chr2:96,353,393, plus strand): 5'-GCCAGATCTGCCCTTCCCTGGCCGGGTTCCAGTTTACACAGTGGGACAGTGAAACACATA[A>G]TGAGGTGTGGTCAAGTTTTAGTGGCTCATGGTTTCAGTTAGTTGGCTCAAGAGTGGTCCT-3'
Protein context (NP_056156.2, residues 323-343): QFTQWDSETH[Asn333Ser]ESVSALVDKF

ClinVar aggregate classification (germline): Likely benign (0 of 4 stars; one submission).

Conditions:
NCAPH-related disorder. Also called: NCAPH-related condition.

Allele frequency attached by ClinVar (database versions not stated): gnomAD exomes 0.00008; gnomAD 0.00011; TOPMed 0.00019; ExAC 0.00024; 1000 Genomes Project 0.00060; 1000 Genomes Project 30x 0.00062.
gnomAD v4.1: 134 of 1,613,770 alleles (0.0083%); highest among the groups gnomAD compares: East Asian, 0.24%; no homozygotes.

Submissions (2):

PreventionGenetics, part of Exact Sciences
Classification: Likely benign for NCAPH-related condition. Last evaluated: 2023-02-21. Review status: no assertion criteria provided. Collection method: clinical testing. Allele origin: germline.
Comment: This variant is classified as likely benign based on ACMG/AMP sequence variant interpretation guidelines (Richards et al. 2015 PMID: 25741868, with internal and published modifications).

Dr. Peter K. Rogan Lab, Western University
No classification provided (evidence only). Condition: Sarcoma. Review status: no classification provided. Collection method: in vitro. Allele origin: not applicable. Functional consequence: retained intron. Not counted in ClinVar's aggregate classification.